The following is an entry in ClinVar:

NM_000138.5(FBN1):c.1960+30G>A

Gene: FBN1 (fibrillin 1; minus strand). Cytogenetic location: 15q21.1.
Variant type: single nucleotide variant.
Coding change: c.1960+30G>A on transcript NM_000138.5 (MANE Select); 30 bases into the intron after coding-DNA position 1960, G replaced by A.
Molecular consequence: intron variant.
Genome position (GRCh38, 1-based): chr15:48,504,995, C>T on the plus strand (G>A on the coding strand, the complement: FBN1 is on the minus strand). VCF-style: chr15-48504995-C-T. GRCh37 (hg19) VCF-style: chr15-48797192-C-T.
Identifiers: ClinVar variation 255286 (VCV000255286.29), dbSNP rs25459, ClinGen allele CA046387.

ClinVar aggregate classification (germline): Benign/Likely benign. Review status: criteria provided, multiple submitters, no conflicts (2 of 4 stars). 8 submissions from 8 submitters: Benign (4); Likely benign (1). 3 of the submissions do not count toward it. Last evaluated 2025-12-01.

Conditions:
Marfan syndrome (MFS). Also called: MARFAN SYNDROME, TYPE I; FBN1-Related Marfan Syndrome; Marfan syndrome, classic; Marfan syndrome type 1; Marfan's syndrome. Identifiers: Orphanet 284963, Orphanet 558, MedGen C0024796, MONDO:0007947, OMIM 154700.
Familial thoracic aortic aneurysm and aortic dissection (TAAD). Also called: Thoracic aortic aneurysms and dissections. Identifiers: Orphanet 91387, MedGen C4707243, MONDO:0019625.
FBN1-related disorder. Also called: FBN1-related disorders.

Allele frequency attached by ClinVar (database versions not stated): gnomAD exomes 0.00441 and 0.00603; ESP Exome Variant Server 0.01979; gnomAD 0.01813 and 0.01932; TOPMed 0.01980; 1000 Genomes Project 30x 0.02202; 1000 Genomes Project 0.02216; ExAC 0.00728.
gnomAD v4.1: 9,261 of 1,613,772 alleles (0.57%); highest among the groups gnomAD compares: African/African-American, 6.1%; 166 homozygotes.

Submissions (8):

Labcorp Genetics (formerly Invitae), Labcorp
Classification: Benign for Marfan syndrome; Familial thoracic aortic aneurysm and aortic dissection. Last evaluated: 2025-12-01. Review status: criteria provided, single submitter. Criteria: Invitae Variant Classification Sherloc (09022015). Collection method: clinical testing. Allele origin: germline.

ARUP Laboratories, Molecular Genetics and Genomics, ARUP Laboratories
Classification: Benign. Last evaluated: 2025-06-17. Review status: criteria provided, single submitter. Criteria: ARUP Molecular Germline Variant Investigation Process 2024. Collection method: clinical testing. Allele origin: germline.

Eurofins Ntd Llc (ga)
Classification: Benign. Last evaluated: 2018-07-04. Review status: criteria provided, single submitter. Criteria: EGL ClinVar v180209 classification definitions. Collection method: clinical testing. Allele origin: germline. Observed: 1 variant allele, 1 heterozygote.

GeneDx
Classification: Benign. Last evaluated: 2018-06-18. Review status: criteria provided, single submitter. Criteria: GeneDx Variant Classification (06012015). Collection method: clinical testing. Allele origin: germline. Affected: yes.
Comment: This variant is considered likely benign or benign based on one or more of the following criteria: it is a conservative change, it occurs at a poorly conserved position in the protein, it is predicted to be benign by multiple in silico algorithms, and/or has population frequency not consistent with disease.

Breakthrough Genomics
Classification: Likely benign. Review status: criteria provided, single submitter. Criteria: ACMG Guidelines, 2015. Collection method: not provided. Allele origin: germline. Inheritance: Autosomal dominant inheritance. Affected: yes.

PreventionGenetics, part of Exact Sciences
Classification: Benign for FBN1-related condition. Last evaluated: 2019-06-18. Review status: no assertion criteria provided. Collection method: clinical testing. Allele origin: germline. Not counted in ClinVar's aggregate classification.
Comment: This variant is classified as benign based on ACMG/AMP sequence variant interpretation guidelines (Richards et al. 2015 PMID: 25741868, with internal and published modifications).

Clinical Genetics DNA and cytogenetics Diagnostics Lab, Erasmus MC, Erasmus Medical Center
Classification: Benign. Review status: no assertion criteria provided. Collection method: clinical testing. Allele origin: germline. Affected: yes. Study: VKGL Data-share Consensus. Not counted in ClinVar's aggregate classification.

Genome Diagnostics Laboratory, University Medical Center Utrecht
Classification: Benign. Review status: no assertion criteria provided. Collection method: clinical testing. Allele origin: germline. Affected: yes. Study: VKGL Data-share Consensus. Not counted in ClinVar's aggregate classification.